The following is an entry in ClinVar:

NM_005591.4(MRE11):c.739dup (p.His247fs)

Gene: MRE11 (MRE11 double strand break repair nuclease; minus strand). Cytogenetic location: 11q21.
Variant type: Duplication.
Coding change: c.739dup on transcript NM_005591.4 (MANE Select); coding-DNA position 739, one base duplicated (C; older notation c.739dupC).
Protein change: p.His247fs; shifts the reading frame from histidine 247.
Molecular consequence: frameshift variant.
Genome position (GRCh38, 1-based): chr11:94,471,680, G duplicated on the plus strand (C on the coding strand, the reverse complement: MRE11 is on the minus strand). VCF-style (leftmost placement, unchanged base first): chr11-94471679-T-TG. GRCh37 (hg19) VCF-style: chr11-94204845-T-TG.
Other names: c.739dup, p.His247fs (NM_001330347.2, NM_005590.4); c.739dupC (NM_005591.3); short protein forms H247fs.
Identifiers: ClinVar variation 187699 (VCV000187699.14), dbSNP rs786203931, ClinGen allele CA198343.

ClinVar aggregate classification (germline): Pathogenic. Review status: criteria provided, multiple submitters, no conflicts (2 of 4 stars). 2 submissions from 2 submitters: Pathogenic (2). Last evaluated 2017-02-02.

Conditions:
Ataxia-telangiectasia-like disorder (ATLD). Identifiers: MedGen C1858391, MONDO:0011457.
Hereditary cancer-predisposing syndrome. Also called: Neoplastic Syndromes, Hereditary; Tumor predisposition; Hereditary Cancer Syndrome; Hereditary neoplastic syndrome. Identifiers: Orphanet 140162, MedGen C0027672, MeSH D009386, MONDO:0015356.

Submissions (2):

Labcorp Genetics (formerly Invitae), Labcorp
Classification: Pathogenic for Ataxia-telangiectasia-like disorder. Last evaluated: 2017-02-02. Review status: criteria provided, single submitter. Criteria: Invitae Variant Classification Sherloc (09022015). Collection method: clinical testing. Allele origin: germline.
Comment: For these reasons, this variant has been classified as Pathogenic. While this particular variant has not been reported in the literature, loss-of-function variants in MRE11A are known to be pathogenic (PMID: 10612394, 11371508). This sequence change inserts 1 nucleotide in exon 8 of the MRE11A mRNA (c.739dupC), causing a frameshift at codon 247. This creates a premature translational stop signal (p.His247Profs*2) and is expected to result in an absent or disrupted protein product.

Ambry Genetics
Classification: Pathogenic for Hereditary cancer-predisposing syndrome. Last evaluated: 2014-12-31. Review status: criteria provided, single submitter. Criteria: Ambry Variant Classification Scheme 2023. Collection method: clinical testing. Allele origin: germline.
Comment: The c.739dupC pathogenic mutation, located in coding exon 7 of the MRE11A gene, results from a duplication of C at nucleotide position 739, causing a translational frameshift with a predicted alternate stop codon. Since frameshifts are typically deleterious in nature, this alteration is interpreted as a disease-causing mutation (ACMG Recommendations for Standards for Interpretation and Reporting of Sequence Variations. Revision 2007. Genet Med. 2008;10:294).

Literature cited by the submitters: PubMed 10612394 (cited by Labcorp Genetics (formerly Invitae), Labcorp); PubMed 11371508 (cited by Labcorp Genetics (formerly Invitae), Labcorp).